The following is an entry in ClinVar:

NM_005359.6(SMAD4):c.925G>C (p.Ala309Pro)

Gene: SMAD4 (SMAD family member 4; plus strand). Cytogenetic location: 18q21.2.
Variant type: single nucleotide variant.
Coding change: c.925G>C on transcript NM_005359.6 (MANE Select); coding-DNA position 925, G replaced by C.
Protein change: p.Ala309Pro; replaces alanine 309 with proline.
Molecular consequence: missense variant.
Genome position (GRCh38, 1-based): chr18:51,059,886, G>C. VCF-style: chr18-51059886-G-C. GRCh37 (hg19) VCF-style: chr18-48586256-G-C.
Other names: short protein forms A309P.
Identifiers: ClinVar variation 1348274 (VCV001348274.6), dbSNP rs774463256, ClinGen allele CA8965957.

ClinVar aggregate classification (germline): Uncertain significance (1 of 4 stars; one submission).

Conditions:
Juvenile polyposis syndrome (JPS). Identifiers: Orphanet 2929, MedGen C0345893, MONDO:0017380, OMIM 174900.

Allele frequency attached by ClinVar (database versions not stated): ExAC 0.00001.
gnomAD v4.1: 1 of 1,613,258 alleles (0.000062%); highest among the groups gnomAD compares: Non-Finnish European, 0.000085%; no homozygotes.

Submission:

Labcorp Genetics (formerly Invitae), Labcorp
Classification: Uncertain significance for Juvenile polyposis syndrome. Last evaluated: 2021-10-30. Review status: criteria provided, single submitter. Criteria: Invitae Variant Classification Sherloc (09022015). Collection method: clinical testing. Allele origin: germline.
Comment: This sequence change replaces alanine, which is neutral and non-polar, with proline, which is neutral and non-polar, at codon 309 of the SMAD4 protein (p.Ala309Pro). This variant is present in population databases (rs774463256, gnomAD 0.0009%). This variant has not been reported in the literature in individuals affected with SMAD4-related conditions. Advanced modeling of protein sequence and biophysical properties (such as structural, functional, and spatial information, amino acid conservation, physicochemical variation, residue mobility, and thermodynamic stability) performed at Invitae indicates that this missense variant is not expected to disrupt SMAD4 protein function. In summary, the available evidence is currently insufficient to determine the role of this variant in disease. Therefore, it has been classified as a Variant of Uncertain Significance.